The following is an entry in ClinVar:

NM_001142800.2(EYS):c.1184+1G>T

Gene: EYS (EGF-like photoreceptor maintenance factor; minus strand). Cytogenetic location: 6q12.
Variant type: single nucleotide variant.
Coding change: c.1184+1G>T on transcript NM_001142800.2 (MANE Select); the canonical splice donor site of the intron after coding-DNA position 1184, G replaced by T.
Molecular consequence: splice donor variant.
Genome position (GRCh38, 1-based): chr6:65,402,477, C>A on the plus strand (G>T on the coding strand, the complement: EYS is on the minus strand). VCF-style: chr6-65402477-C-A. GRCh37 (hg19) VCF-style: chr6-66112370-C-A.
Other names: c.1184+1G>T (NM_001292009.2, NM_001142801.2, NM_198283.2 and 1 more transcripts).
Identifiers: ClinVar variation 2675259 (VCV002675259.2), dbSNP rs2150363733, ClinGen allele CA364662242.

ClinVar aggregate classification (germline): Likely pathogenic. Review status: criteria provided, multiple submitters, no conflicts (2 of 4 stars). 2 submissions from 2 submitters: Likely pathogenic (2). Last evaluated 2024-06-10.

Conditions:
Retinitis pigmentosa 25 (RP25). Identifiers: Orphanet 791, MedGen C1864446, MONDO:0011272, OMIM 602772.

Allele frequency attached by ClinVar (database versions not stated): gnomAD exomes below 0.00001.
gnomAD v4.1: 3 of 1,486,756 alleles (0.0002%); highest among the groups gnomAD compares: Non-Finnish European, 0.00028%; no homozygotes.

Submissions (2):

Natera, Inc.
Classification: Likely pathogenic for Retinitis pigmentosa type 25. Last evaluated: 2024-06-10. Review status: criteria provided, single submitter. Criteria: Natera Variant Classification Schema (03/2026). Collection method: clinical testing. Allele origin: germline.
Comment: The c.1184+1G>T variant in EYS is a canonical splice donor site variant predicted to affect pre-mRNA splicing, which may result in an abnormal transcript and altered protein product. This variant is expected to result in nonsense mediated decay, truncation, or a dysfunctional protein product. This variant is rare in the general population with a frequency below the threshold expected for the associated phenotype(s). Given the available evidence, this variant is classified as Likely Pathogenic.

Baylor Genetics
Classification: Likely pathogenic for Retinitis pigmentosa 25. Last evaluated: 2023-08-08. Review status: criteria provided, single submitter. Criteria: ACMG Guidelines, 2015. Collection method: clinical testing. Allele origin: unknown.